The following is an entry in ClinVar:

NM_001004334.4(GPR179):c.4945G>A (p.Gly1649Ser)

Gene: GPR179 (G protein-coupled receptor 179; minus strand). Cytogenetic location: 17q12.
Variant type: single nucleotide variant.
Coding change: c.4945G>A on transcript NM_001004334.4 (MANE Select); coding-DNA position 4945, G replaced by A.
Protein change: p.Gly1649Ser; replaces glycine 1649 with serine.
Molecular consequence: missense variant.
Genome position (GRCh38, 1-based): chr17:38,328,624, C>T on the plus strand (G>A on the coding strand, the complement: GPR179 is on the minus strand). VCF-style: chr17-38328624-C-T. GRCh37 (hg19) VCF-style: chr17-36484507-C-T.
Other names: short protein forms G1649S.
Identifiers: ClinVar variation 1431237 (VCV001431237.6), dbSNP rs748482311, ClinGen allele CA290103831.

ClinVar aggregate classification (germline): Uncertain significance (1 of 4 stars; one submission).

Allele frequency attached by ClinVar (database versions not stated): ExAC 0.00001; gnomAD exomes 0.00002; TOPMed 0.00002; gnomAD 0.00005 and 0.00006.

Submission:

Labcorp Genetics (formerly Invitae), Labcorp
Classification: Uncertain significance. Last evaluated: 2022-03-13. Review status: criteria provided, single submitter. Criteria: Invitae Variant Classification Sherloc (09022015). Collection method: clinical testing. Allele origin: germline.
Comment: Algorithms developed to predict the effect of missense changes on protein structure and function output the following: SIFT: "Tolerated"; PolyPhen-2: "Benign"; Align-GVGD: "Class C0". The serine amino acid residue is found in multiple mammalian species, which suggests that this missense change does not adversely affect protein function. Algorithms developed to predict the effect of sequence changes on RNA splicing suggest that this variant may create or strengthen a splice site. In summary, the available evidence is currently insufficient to determine the role of this variant in disease. Therefore, it has been classified as a Variant of Uncertain Significance. This sequence change replaces glycine, which is neutral and non-polar, with serine, which is neutral and polar, at codon 1649 of the GPR179 protein (p.Gly1649Ser). This variant is present in population databases (rs748482311, gnomAD 0.006%). This variant has not been reported in the literature in individuals affected with GPR179-related conditions.